The following is an entry in ClinVar:

ClinVar aggregate classification (germline): Uncertain significance (1 of 4 stars; one submission).

Conditions:
RASopathy. Also called: rasopathies; Noonan spectrum disorder. Identifiers: Orphanet 536391, MedGen C5555857, MONDO:0021060.

Submission:

Labcorp Genetics (formerly Invitae), Labcorp
Classification: Uncertain significance for RASopathy. Last evaluated: 2026-01-27. Review status: criteria provided, single submitter. Criteria: Invitae Variant Classification Sherloc (09022015). Collection method: clinical testing. Allele origin: germline.
Comment: This sequence change creates a premature translational stop signal (p.His46Alafs*33) in the CBL gene. It is expected to result in an absent or disrupted protein product. However, the current clinical and genetic evidence is not sufficient to establish whether loss-of-function variants in CBL cause disease. This variant is not present in population databases (gnomAD no frequency). This variant has not been reported in the literature in individuals affected with CBL-related conditions. In summary, the available evidence is currently insufficient to determine the role of this variant in disease. Therefore, it has been classified as a Variant of Uncertain Significance.

NM_005188.4(CBL):c.136_140del (p.His46fs)

Genes: CBL (Cbl proto-oncogene; plus strand), LOC130006895 (ATAC-STARR-seq lymphoblastoid silent region 3975; plus strand). Cytogenetic location: 11q23.3.
Variant type: Deletion.
Coding change: c.136_140del on transcript NM_005188.4 (MANE Select); coding-DNA positions 136 to 140, 5 bases deleted (CACCC; older notation c.136_140delCACCC).
Protein change: p.His46fs; shifts the reading frame from histidine 46.
Molecular consequence: frameshift variant.
Genome position (GRCh38, 1-based): chr11:119,206,553-119,206,557, CACCC deleted; deleting any 5 consecutive bases within chr11:119,206,550-119,206,557 gives the same sequence; the c. name uses the placement nearest the transcript's 3' end. VCF-style (leftmost placement, unchanged base first): chr11-119206549-CCCCCA-C. GRCh37 (hg19) VCF-style: chr11-119077259-CCCCCA-C.
Other names: short protein forms H46fs.
Identifiers: ClinVar variation 4736332 (VCV004736332.1).
Genomic context (GRCh38, chr11:119,206,549, plus strand): 5'-CCTGATTGGGCTCATGAAGGACGCCTTCCAGCCGCACCACCACCACCACCACCACCTCAG[CCCCCA>C]CCCGCCGGGGACGGTGGACAAGAAGATGGTGGAGAAGTGCTGGAAGCTCATGGACAAGGT-3'